The following is an entry in ClinVar:

NM_207361.6(FREM2):c.4910A>G (p.Glu1637Gly)

Gene: FREM2 (FRAS1 related extracellular matrix 2; plus strand). Cytogenetic location: 13q13.3.
Variant type: single nucleotide variant.
Coding change: c.4910A>G on transcript NM_207361.6 (MANE Select); coding-DNA position 4910, A replaced by G.
Protein change: p.Glu1637Gly; replaces glutamic acid 1637 with glycine.
Molecular consequence: missense variant.
Genome position (GRCh38, 1-based): chr13:38,692,254, A>G. VCF-style: chr13-38692254-A-G. GRCh37 (hg19) VCF-style: chr13-39266391-A-G.
Other names: c.4910A>G (NM_207361.5); short protein forms E1637G.
Identifiers: ClinVar variation 881525 (VCV000881525.13), dbSNP rs531905447, ClinGen allele CA6955096.

ClinVar aggregate classification (germline): Conflicting classifications of pathogenicity. Review status: criteria provided, conflicting classifications (1 of 4 stars). 4 submissions from 4 submitters: Uncertain significance (2); Likely benign (2). Last evaluated 2025-10-15.

Conditions:
FREM2-related disorder. Also called: FREM2-related condition.
Fraser syndrome 2 (FRASRS2). Identifiers: MedGen C4540036, MONDO:0054738, OMIM 617666.
Inborn genetic diseases. Identifiers: MedGen C0950123, MeSH D030342.

Allele frequency attached by ClinVar (database versions not stated): gnomAD below 0.00001 and 0.00015; TOPMed 0.00002; 1000 Genomes Project 30x 0.00078; 1000 Genomes Project 0.00100; gnomAD exomes 0.00015 and 0.00035; ExAC 0.00035.
gnomAD v4.1: 240 of 1,614,124 alleles (0.015%); highest among the groups gnomAD compares: South Asian, 0.25%; 2 homozygotes.

Submissions (4):

Labcorp Genetics (formerly Invitae), Labcorp
Classification: Likely benign. Last evaluated: 2025-10-15. Review status: criteria provided, single submitter. Criteria: Invitae Variant Classification Sherloc (09022015). Collection method: clinical testing. Allele origin: germline.

PreventionGenetics, part of Exact Sciences
Classification: Likely benign for FREM2-related condition. Last evaluated: 2025-07-25. Review status: criteria provided, single submitter. Criteria: ACMG Guidelines, 2015. Collection method: clinical testing. Allele origin: germline.
Comment: This variant is classified as likely benign based on ACMG/AMP sequence variant interpretation guidelines (Richards et al. 2015 PMID: 25741868, with internal and published modifications).

Ambry Genetics
Classification: Uncertain significance for Inborn genetic diseases. Last evaluated: 2023-11-07. Review status: criteria provided, single submitter. Criteria: Ambry Variant Classification Scheme 2023. Collection method: clinical testing. Allele origin: germline.

Illumina Laboratory Services, Illumina
Classification: Uncertain significance for Fraser syndrome 2. Last evaluated: 2018-01-13. Review status: criteria provided, single submitter. Criteria: ICSL Variant Classification Criteria 13 December 2019. Collection method: clinical testing. Allele origin: germline.